The following is an entry in ClinVar:

ClinVar aggregate classification (germline): Uncertain significance (1 of 4 stars; one submission).

Conditions:
Dyskeratosis congenita. Identifiers: Orphanet 1775, MedGen C0265965, MONDO:0015780.

Allele frequency attached by ClinVar (database versions not stated): gnomAD exomes below 0.00001.
gnomAD v4.1: 1 of 1,611,646 alleles (0.000062%); highest among the groups gnomAD compares: Non-Finnish European, 0.000085%; no homozygotes.

Submission:

Ambry Genetics
Classification: Uncertain significance for Dyskeratosis congenita. Last evaluated: 2024-02-10. Review status: criteria provided, single submitter. Criteria: Ambry Variant Classification Scheme 2023. Collection method: clinical testing. Allele origin: germline.
Comment: The p.D768G variant (also known as c.2303A>G), located in coding exon 7 of the TERT gene, results from an A to G substitution at nucleotide position 2303. The aspartic acid at codon 768 is replaced by glycine, an amino acid with similar properties. This amino acid position is conserved. In addition, this alteration is predicted to be deleterious by in silico analysis. Based on the available evidence, the clinical significance of this alteration remains unclear.

NM_198253.3(TERT):c.2303A>G (p.Asp768Gly)

Gene: TERT (telomerase reverse transcriptase; minus strand). Cytogenetic location: 5p15.33.
Variant type: single nucleotide variant.
Coding change: c.2303A>G on transcript NM_198253.3 (MANE Select); coding-DNA position 2303, A replaced by G.
Protein change: p.Asp768Gly; replaces aspartic acid 768 with glycine.
Molecular consequence: missense variant.
Genome position (GRCh38, 1-based): chr5:1,272,264, T>C on the plus strand (A>G on the coding strand, the complement: TERT is on the minus strand). VCF-style: chr5-1272264-T-C. GRCh37 (hg19) VCF-style: chr5-1272379-T-C.
Other names: c.2303A>G, p.Asp768Gly (NM_001193376.3, NM_003219.1); short protein forms D768G.
Identifiers: ClinVar variation 3238551 (VCV003238551.1), dbSNP rs1579564948.
Genomic context (GRCh38, chr5:1,272,264, plus strand): 5'-TCCCTCAGCGGGCTGGTCTCCTGCAGGTGAGCCACGAACTGTCGCATGTACGGCTGGAGG[T>C]CTGTCAAGGTAGAGACCTGCCGGCAGAGGAGAGGGCATGAGCCACAAATGTGGCCTGCCC-3'
Protein context (NP_937983.2, residues 758-778): AFKSHVSTLT[Asp768Gly]LQPYMRQFVA